The following is an entry in ClinVar:

ClinVar aggregate classification (germline): Conflicting classifications of pathogenicity. Review status: criteria provided, conflicting classifications (1 of 4 stars). 5 submissions from 5 submitters: Likely pathogenic (1); Uncertain significance (3); Likely benign (1). Last evaluated 2025-12-10.

Conditions:
Hereditary cancer-predisposing syndrome. Also called: Hereditary neoplastic syndrome; Hereditary Cancer Syndrome; Tumor predisposition; Neoplastic Syndromes, Hereditary. Identifiers: Orphanet 140162, MedGen C0027672, MeSH D009386, MONDO:0015356.
Facial dysmorphism-immunodeficiency-livedo-short stature syndrome. Also called: Facial dysmorphism, immunodeficiency, livedo, and short stature; FILS syndrome. Identifiers: Orphanet 352712, MedGen C3554576, MONDO:0014058, OMIM 615139.

Allele frequency attached by ClinVar (database versions not stated): gnomAD below 0.00001 and 0.00001; ExAC 0.00002; gnomAD exomes 0.00002; TOPMed 0.00002.
gnomAD v4.1: 34 of 1,614,090 alleles (0.0021%); highest among the groups gnomAD compares: South Asian, 0.024%; 1 homozygote.

Submissions (5):

Labcorp Genetics (formerly Invitae), Labcorp
Classification: Uncertain significance. Last evaluated: 2025-12-10. Review status: criteria provided, single submitter. Criteria: Invitae Variant Classification Sherloc (09022015). Collection method: clinical testing. Allele origin: germline.
Comment: This sequence change replaces asparagine, which is neutral and polar, with serine, which is neutral and polar, at codon 1971 of the POLE protein (p.Asn1971Ser). This variant is present in population databases (rs772127913, gnomAD 0.02%). This missense change has been observed in individual(s) with FILS (facial dysmorphism, immunodeficiency, livedo, and short stature) syndrome (PMID: 30049826). ClinVar contains an entry for this variant (Variation ID: 439278). Invitae Evidence Modeling of protein sequence and biophysical properties (such as structural, functional, and spatial information, amino acid conservation, physicochemical variation, residue mobility, and thermodynamic stability) indicates that this missense variant is not expected to disrupt POLE protein function with a negative predictive value of 80%. In summary, the available evidence is currently insufficient to determine the role of this variant in disease. Therefore, it has been classified as a Variant of Uncertain Significance.

Ambry Genetics
Classification: Likely benign for Hereditary cancer-predisposing syndrome. Last evaluated: 2024-08-29. Review status: criteria provided, single submitter. Criteria: Ambry Variant Classification Scheme 2023. Collection method: clinical testing. Allele origin: germline.

Centre for Translational Omics - GOSgene, University College London
Classification: Likely pathogenic for Facial dysmorphism-immunodeficiency-livedo-short stature syndrome. Last evaluated: 2018-03-16. Review status: criteria provided, single submitter. Criteria: ACMG Guidelines, 2015. Collection method: clinical testing. Allele origin: inherited. Affected: yes.

GeneDx
Classification: Uncertain significance. Last evaluated: 2018-01-11. Review status: criteria provided, single submitter. Criteria: GeneDx Variant Classification Process June 2021. Collection method: clinical testing. Allele origin: germline. Affected: yes.
Comment: Not observed at a significant frequency in large population cohorts (Lek 2016); In silico analysis supports that this missense variant does not alter protein structure/function; Observed in the compound heterozygous state with POLE p.Glu1956Val in an individual reportedly presenting with a FILS-like (facial dysmorphism, immunodeficiency, livedo, and short stature) phenotype (Mestek-Boukhibar 2018). While POLE c.4444+3A>G, a leaky splice variant, has been reported as homozygous in individuals with FILS (Pachlopnik Schmid 2012, Thiffault 2015), it is not clear whether biallelic POLE missense variants result in a similar phenotype.; This variant is associated with the following publications: (PMID: 30049826)

Quest Diagnostics Nichols Institute San Juan Capistrano
Classification: Uncertain significance. Last evaluated: 2016-11-30. Review status: criteria provided, single submitter. Criteria: Quest Diagnostics criteria. Collection method: clinical testing. Allele origin: germline.

Literature cited by the submitters: PubMed 30049826 (cited by Labcorp Genetics (formerly Invitae), Labcorp).

NM_006231.4(POLE):c.5912A>G (p.Asn1971Ser)

Gene: POLE (DNA polymerase epsilon, catalytic subunit; minus strand). Cytogenetic location: 12q24.33.
Variant type: single nucleotide variant.
Coding change: c.5912A>G on transcript NM_006231.4 (MANE Select); coding-DNA position 5912, A replaced by G.
Protein change: p.Asn1971Ser; replaces asparagine 1971 with serine.
Molecular consequence: missense variant.
Genome position (GRCh38, 1-based): chr12:132,634,278, T>C on the plus strand (A>G on the coding strand, the complement: POLE is on the minus strand). VCF-style: chr12-132634278-T-C. GRCh37 (hg19) VCF-style: chr12-133210864-T-C.
Other names: c.5912A>G (NM_006231.2); short protein forms N1971S.
Identifiers: ClinVar variation 439278 (VCV000439278.12), dbSNP rs772127913, ClinGen allele CA6892339.